The following is an entry in ClinVar:

NM_017514.5(PLXNA3):c.4173C>T (p.Ile1391=)

Gene: PLXNA3 (plexin A3; plus strand). Cytogenetic location: Xq28.
Variant type: single nucleotide variant.
Coding change: c.4173C>T on transcript NM_017514.5 (MANE Select); coding-DNA position 4173, C replaced by T.
Protein change: p.Ile1391=; no amino-acid change (isoleucine 1391 retained).
Molecular consequence: synonymous variant.
Genome position (GRCh38, 1-based): chrX:154,468,512, C>T. VCF-style: chrX-154468512-C-T. GRCh37 (hg19) VCF-style: chrX-153696855-C-T.
Identifiers: ClinVar variation 3055026 (VCV003055026.2), dbSNP rs369173697, ClinGen allele CA10564815.

ClinVar aggregate classification (germline): Likely benign (0 of 4 stars; one submission).

Conditions:
PLXNA3-related disorder. Also called: PLXNA3-related condition.

Allele frequency attached by ClinVar (database versions not stated): gnomAD exomes 0.00004; gnomAD 0.00008; ESP Exome Variant Server 0.00009; TOPMed 0.00011; ExAC 0.00013.
gnomAD v4.1: 58 of 1,209,652 alleles (0.0048%); highest among the groups gnomAD compares: Middle Eastern, 0.046%; 1 homozygote.

Submission:

PreventionGenetics, part of Exact Sciences
Classification: Likely benign for PLXNA3-related condition. Last evaluated: 2021-06-03. Review status: no assertion criteria provided. Collection method: clinical testing. Allele origin: germline.
Comment: This variant is classified as likely benign based on ACMG/AMP sequence variant interpretation guidelines (Richards et al. 2015 PMID: 25741868, with internal and published modifications).